The following is an entry in ClinVar:

NM_006070.6(TFG):c.258G>T (p.Leu86=)

Gene: TFG (trafficking from ER to golgi regulator; plus strand). Cytogenetic location: 3q12.2.
Variant type: single nucleotide variant.
Coding change: c.258G>T on transcript NM_006070.6 (MANE Select); coding-DNA position 258, G replaced by T.
Protein change: p.Leu86=; no amino-acid change (leucine 86 retained).
Molecular consequence: synonymous variant.
Genome position (GRCh38, 1-based): chr3:100,720,048, G>T. VCF-style: chr3-100720048-G-T. GRCh37 (hg19) VCF-style: chr3-100438892-G-T.
Other names: p.Leu86=; c.258G>T, p.Leu86= (NM_001007565.2, NM_001195478.2, NM_001195479.2).
Identifiers: ClinVar variation 386659 (VCV000386659.94), dbSNP rs150620449, ClinGen allele CA2517027.

ClinVar aggregate classification (germline): Benign/Likely benign. Review status: criteria provided, multiple submitters, no conflicts (2 of 4 stars). 11 submissions from 11 submitters: Benign (2); Likely benign (6). 3 of the submissions do not count toward it. Last evaluated 2026-01-20.

Conditions:
Inborn genetic diseases. Identifiers: MedGen C0950123, MeSH D030342.
Hereditary motor and sensory neuropathy, Okinawa type (HMSNO). Also called: HEREDITARY MOTOR AND SENSORY NEUROPATHY, PROXIMAL TYPE. Identifiers: Orphanet 90117, MedGen C1858338, MONDO:0011468, OMIM 604484.
Hereditary spastic paraplegia 57. Also called: Spastic paraplegia 57, autosomal recessive. Identifiers: Orphanet 431329, MedGen C3714897, MONDO:0014295, OMIM 615658.
TFG-related disorder. Also called: TFG-related condition; TFG-related disorders.

Allele frequency attached by ClinVar (database versions not stated): 1000 Genomes Project 0.00060; 1000 Genomes Project 30x 0.00062; gnomAD 0.00084 and 0.00093; gnomAD exomes 0.00093; TOPMed 0.00101; ExAC 0.00112; ESP Exome Variant Server 0.00177.
gnomAD v4.1: 2,076 of 1,553,050 alleles (0.13%); highest among the groups gnomAD compares: Non-Finnish European, 0.17%; 1 homozygote.

Submissions (11):

Labcorp Genetics (formerly Invitae), Labcorp
Classification: Benign for Hereditary motor and sensory neuropathy, Okinawa type; Hereditary spastic paraplegia 57. Last evaluated: 2026-01-20. Review status: criteria provided, single submitter. Criteria: Invitae Variant Classification Sherloc (09022015). Collection method: clinical testing. Allele origin: germline.

Women's Health and Genetics/Laboratory Corporation of America, LabCorp
Classification: Likely benign. Last evaluated: 2025-05-28. Review status: criteria provided, single submitter. Criteria: LabCorp Variant Classification Summary - May 2015. Collection method: clinical testing. Allele origin: germline.

Mayo Clinic Laboratories, Mayo Clinic
Classification: Likely benign. Last evaluated: 2025-05-27. Review status: criteria provided, single submitter. Criteria: ACMG Guidelines, 2015. Collection method: clinical testing. Allele origin: germline. Observed: 7 variant alleles.
Comment: BS1, BP4, BP7

ARUP Laboratories, Molecular Genetics and Genomics, ARUP Laboratories
Classification: Benign. Last evaluated: 2024-10-28. Review status: criteria provided, single submitter. Criteria: ARUP Molecular Germline Variant Investigation Process 2024. Collection method: clinical testing. Allele origin: germline.

Blueprint Genetics
Classification: Likely benign. Last evaluated: 2024-10-02. Review status: criteria provided, single submitter. Criteria: ACMG Guidelines, 2015. Collection method: clinical testing. Allele origin: germline.

CeGaT Center for Human Genetics Tuebingen
Classification: Likely benign. Last evaluated: 2023-11-01. Review status: criteria provided, single submitter. Criteria: CeGaT Center For Human Genetics Tuebingen Variant Classification Criteria Version 2. Collection method: clinical testing. Allele origin: germline. Affected: yes. Observed: 3 variant alleles.
Comment: TFG: BP4, BS2

GeneDx
Classification: Likely benign. Last evaluated: 2019-10-29. Review status: criteria provided, single submitter. Criteria: GeneDx Variant Classification Process June 2021. Collection method: clinical testing. Allele origin: germline. Affected: yes.

Ambry Genetics
Classification: Likely benign for Inborn genetic diseases. Last evaluated: 2019-07-11. Review status: criteria provided, single submitter. Criteria: Ambry Variant Classification Scheme 2023. Collection method: clinical testing. Allele origin: germline.

PreventionGenetics, part of Exact Sciences
Classification: Likely benign for TFG-related condition. Last evaluated: 2019-07-16. Review status: no assertion criteria provided. Collection method: clinical testing. Allele origin: germline. Not counted in ClinVar's aggregate classification.
Comment: This variant is classified as likely benign based on ACMG/AMP sequence variant interpretation guidelines (Richards et al. 2015 PMID: 25741868, with internal and published modifications).

Clinical Genetics, Academic Medical Center
Classification: Benign. Review status: no assertion criteria provided. Collection method: clinical testing. Allele origin: germline. Affected: yes. Study: VKGL Data-share Consensus. Not counted in ClinVar's aggregate classification.

Genome Diagnostics Laboratory, University Medical Center Utrecht
Classification: Likely benign. Review status: no assertion criteria provided. Collection method: clinical testing. Allele origin: germline. Affected: yes. Study: VKGL Data-share Consensus. Not counted in ClinVar's aggregate classification.